The following is an entry in ClinVar:

NM_000719.7(CACNA1C):c.2340-4C>G

Gene: CACNA1C (calcium voltage-gated channel subunit alpha1 C; plus strand). Cytogenetic location: 12p13.33.
Variant type: single nucleotide variant.
Coding change: c.2340-4C>G on transcript NM_000719.7 (MANE Select); 4 bases into the intron before coding-DNA position 2340, C replaced by G.
Molecular consequence: intron variant.
Genome position (GRCh38, 1-based): chr12:2,585,372, C>G. VCF-style: chr12-2585372-C-G. GRCh37 (hg19) VCF-style: chr12-2694538-C-G.
Other names: p.?; c.2340-4C>G (NM_001167624.3, NM_001167623.2, NM_001167625.2 and 18 more transcripts); c.2331-4C>G (NM_001129844.2).
Identifiers: ClinVar variation 527077 (VCV000527077.11), dbSNP rs1157833396, ClinGen allele CA602711125.
Genomic context (GRCh38, chr12:2,585,372, plus strand): 5'-CCTACACTGTTCCCTATCACTCCAGTAAACAGCCATTTATTTTTTTCTGCTGCTGACTGG[C>G]CAGGACTGCCAGCCCAGAGAAGAAACAAGAGTTGGTGGAGAAGCCGGCAGTGGGGGAATC-3'

ClinVar aggregate classification (germline): Likely benign. Review status: criteria provided, multiple submitters, no conflicts (2 of 4 stars). 3 submissions from 3 submitters: Likely benign (3). Last evaluated 2025-09-24.

Conditions:
Cardiovascular phenotype. Identifiers: MedGen CN230736.
Long QT syndrome (LQTS). Identifiers: MedGen C0023976, MeSH D008133, MONDO:0002442. Disease mechanism: loss of function. Inheritance: Various modes of inheritance.

Allele frequency attached by ClinVar (database versions not stated): gnomAD exomes below 0.00001 and 0.00001; TOPMed 0.00001.
gnomAD v4.1: 8 of 1,611,770 alleles (0.0005%); highest among the groups gnomAD compares: Non-Finnish European, 0.00068%; no homozygotes.

Submissions (3):

Labcorp Genetics (formerly Invitae), Labcorp
Classification: Likely benign for Long QT syndrome. Last evaluated: 2025-09-24. Review status: criteria provided, single submitter. Criteria: Invitae Variant Classification Sherloc (09022015). Collection method: clinical testing. Allele origin: germline.

Ambry Genetics
Classification: Likely benign for Cardiovascular phenotype. Last evaluated: 2025-07-14. Review status: criteria provided, single submitter. Criteria: Ambry Variant Classification Scheme 2023. Collection method: clinical testing. Allele origin: germline.

Mayo Clinic Laboratories, Mayo Clinic
Classification: Likely benign. Last evaluated: 2025-06-24. Review status: criteria provided, single submitter. Criteria: ACMG Guidelines, 2015. Collection method: clinical testing. Allele origin: germline. Observed: 1 variant allele.
Comment: BP4, BP7, PM2_supporting